The following is an entry in ClinVar:

NM_006929.5(SKIC2):c.2152C>T (p.Leu718Phe)

Gene: SKIC2 (SKI2 subunit of superkiller complex; plus strand). Cytogenetic location: 6p21.33.
Variant type: single nucleotide variant.
Coding change: c.2152C>T on transcript NM_006929.5 (MANE Select); coding-DNA position 2152, C replaced by T.
Protein change: p.Leu718Phe; replaces leucine 718 with phenylalanine.
Molecular consequence: missense variant.
Genome position (GRCh38, 1-based): chr6:31,965,963, C>T. VCF-style: chr6-31965963-C-T. GRCh37 (hg19) VCF-style: chr6-31933740-C-T.
Other names: short protein forms L718F.
Identifiers: ClinVar variation 1992682 (VCV001992682.1), dbSNP rs1198335310, ClinGen allele CA363468609.

ClinVar aggregate classification (germline): Uncertain significance (1 of 4 stars; one submission).

Allele frequency attached by ClinVar (database versions not stated): gnomAD exomes below 0.00001; TOPMed below 0.00001.
gnomAD v4.1: 6 of 1,611,466 alleles (0.00037%); highest among the groups gnomAD compares: Non-Finnish European, 0.00051%; no homozygotes.

Submission:

Labcorp Genetics (formerly Invitae), Labcorp
Classification: Uncertain significance. Last evaluated: 2022-08-19. Review status: criteria provided, single submitter. Criteria: Invitae Variant Classification Sherloc (09022015). Collection method: clinical testing. Allele origin: germline.
Comment: This sequence change replaces leucine, which is neutral and non-polar, with phenylalanine, which is neutral and non-polar, at codon 718 of the SKIV2L protein (p.Leu718Phe). This variant is not present in population databases (gnomAD no frequency). This variant has not been reported in the literature in individuals affected with SKIV2L-related conditions. Algorithms developed to predict the effect of missense changes on protein structure and function are either unavailable or do not agree on the potential impact of this missense change (SIFT: "Deleterious"; PolyPhen-2: "Probably Damaging"; Align-GVGD: "Class C0"). In summary, the available evidence is currently insufficient to determine the role of this variant in disease. Therefore, it has been classified as a Variant of Uncertain Significance.